The following is an entry in ClinVar:

ClinVar aggregate classification (germline): Uncertain significance. Review status: criteria provided, multiple submitters, no conflicts (2 of 4 stars). 2 submissions from 2 submitters: Uncertain significance (2). Last evaluated 2025-12-03.

Conditions:
Gastrointestinal stromal tumor. Also called: Gastrointestinal stromal tumor, somatic; Gastrointestinal stroma tumor. Identifiers: Orphanet 44890, MedGen C0238198, MeSH D046152, MONDO:0011719, OMIM 606764, HP:0100723.
Hereditary cancer-predisposing syndrome. Also called: Hereditary Cancer Syndrome; Tumor predisposition; Neoplastic Syndromes, Hereditary; Hereditary neoplastic syndrome. Identifiers: Orphanet 140162, MedGen C0027672, MeSH D009386, MONDO:0015356.

Allele frequency attached by ClinVar (database versions not stated): gnomAD 0.00001; gnomAD exomes 0.00001.
gnomAD v4.1: 9 of 1,613,974 alleles (0.00056%); highest among the groups gnomAD compares: Non-Finnish European, 0.00076%; no homozygotes.

Submissions (2):

Ambry Genetics
Classification: Uncertain significance for Hereditary cancer-predisposing syndrome. Last evaluated: 2025-12-03. Review status: criteria provided, single submitter. Criteria: Ambry Variant Classification Scheme 2023. Collection method: clinical testing. Allele origin: germline.

Labcorp Genetics (formerly Invitae), Labcorp
Classification: Uncertain significance for Gastrointestinal stromal tumor. Last evaluated: 2023-11-18. Review status: criteria provided, single submitter. Criteria: Invitae Variant Classification Sherloc (09022015). Collection method: clinical testing. Allele origin: germline.
Comment: This sequence change replaces proline, which is neutral and non-polar, with serine, which is neutral and polar, at codon 892 of the KIT protein (p.Pro892Ser). This variant is present in population databases (no rsID available, gnomAD 0.007%). This variant has not been reported in the literature in individuals affected with KIT-related conditions. ClinVar contains an entry for this variant (Variation ID: 644577). An algorithm developed to predict the effect of missense changes on protein structure and function (PolyPhen-2) suggests that this variant is likely to be disruptive. In summary, the available evidence is currently insufficient to determine the role of this variant in disease. Therefore, it has been classified as a Variant of Uncertain Significance.

NM_000222.3(KIT):c.2674C>T (p.Pro892Ser)

Gene: KIT (KIT proto-oncogene, receptor tyrosine kinase; plus strand). Cytogenetic location: 4q12.
Variant type: single nucleotide variant.
Coding change: c.2674C>T on transcript NM_000222.3 (MANE Select); coding-DNA position 2674, C replaced by T.
Protein change: p.Pro892Ser; replaces proline 892 with serine.
Molecular consequence: missense variant.
Genome position (GRCh38, 1-based): chr4:54,736,798, C>T. VCF-style: chr4-54736798-C-T. GRCh37 (hg19) VCF-style: chr4-55602964-C-T.
Other names: c.2662C>T, p.Pro888Ser (NM_001093772.2, NM_001385292.1); c.2677C>T, p.Pro893Ser (NM_001385284.1); c.2671C>T, p.Pro891Ser (NM_001385285.1); c.2659C>T, p.Pro887Ser (NM_001385286.1); c.2665C>T, p.Pro889Ser (NM_001385288.1); c.2674C>T, p.Pro892Ser (NM_001385290.1); short protein forms P892S, P888S, P887S, P889S, P891S, P893S.
Identifiers: ClinVar variation 644577 (VCV000644577.10), dbSNP rs1280110686, ClinGen allele CA356914012.